The following is an entry in ClinVar:

ClinVar aggregate classification (germline): Conflicting classifications of pathogenicity. Review status: criteria provided, conflicting classifications (1 of 4 stars). 8 submissions from 7 submitters: Uncertain significance (7); Likely benign (1). Last evaluated 2025-10-29.

Conditions:
Arrhythmogenic right ventricular dysplasia 2. Identifiers: MedGen C1832931.
Ventricular arrhythmias due to cardiac ryanodine receptor calcium release deficiency syndrome. Also called: Autosomal dominant cardiac arrhythmia (Kuhn). Identifiers: MedGen C5542154, MONDO:0020745, OMIM 115000.
Catecholaminergic polymorphic ventricular tachycardia 1. Also called: VENTRICULAR TACHYCARDIA, CATECHOLAMINERGIC POLYMORPHIC, 1, WITH OR WITHOUT ATRIAL DYSFUNCTION AND/OR DILATED CARDIOMYOPATHY; RYR2-Related Catecholaminergic Polymorphic Ventricular Tachycardia; VENTRICULAR TACHYCARDIA, STRESS-INDUCED POLYMORPHIC 1. Identifiers: Orphanet 3286, MedGen C1631597, MONDO:0011484, OMIM 604772.
Cardiovascular phenotype. Identifiers: MedGen CN230736.
Cardiomyopathy (CMYO). Also called: Cardiomyopathies. Identifiers: Orphanet 167848, MedGen C0878544, MONDO:0004994, HP:0001638. Inheritance: Various modes of inheritance.
Catecholaminergic polymorphic ventricular tachycardia (CVPT). Also called: Catecholamine-induced polymorphic ventricular tachycardia. Identifiers: Orphanet 3286, MedGen C5574922, MONDO:0017990.

Allele frequency attached by ClinVar (database versions not stated): gnomAD exomes 0.00011 and 0.00003; TOPMed 0.00003; gnomAD 0.00004.
gnomAD v4.1: 150 of 1,542,438 alleles (0.0097%); highest among the groups gnomAD compares: Non-Finnish European, 0.013%; no homozygotes.

Submissions (8):

Labcorp Genetics (formerly Invitae), Labcorp
Classification: Likely benign for Catecholaminergic polymorphic ventricular tachycardia 1. Last evaluated: 2025-10-29. Review status: criteria provided, single submitter. Criteria: Invitae Variant Classification Sherloc (09022015). Collection method: clinical testing. Allele origin: germline.

Color Diagnostics, LLC DBA Color Health
Classification: Uncertain significance for Cardiomyopathy. Last evaluated: 2025-07-01. Review status: criteria provided, single submitter. Criteria: ACMG Guidelines, 2015. Collection method: clinical testing. Allele origin: germline.
Comment: This variant is located in the RYR2 protein. Computational prediction is inconclusive regarding the impact of this variant on protein structure and function. To our knowledge, functional studies have not been reported for this variant. This variant has not been reported in individuals affected with RYR2-related disorders in the literature. This variant has been identified in 5/185468 chromosomes in the general population by the Genome Aggregation Database (gnomAD). The available evidence is insufficient to determine the role of this variant in disease conclusively. Therefore, this variant is classified as a Variant of Uncertain Significance.

All of Us Research Program, National Institutes of Health
Classification: Uncertain significance for Catecholaminergic polymorphic ventricular tachycardia. Last evaluated: 2024-01-11. Review status: criteria provided, single submitter. Criteria: ACMG Guidelines, 2015. Collection method: clinical testing. Allele origin: germline. Inheritance: Autosomal dominant inheritance. Observed: 5 variant alleles, 5 heterozygotes.
Comment: This variant is located in the RYR2 protein. Computational prediction is inconclusive regarding the impact of this variant on protein structure and function (internally defined REVEL score threshold 0.5 < inconclusive < 0.7, PMID: 27666373). To our knowledge, functional studies have not been reported for this variant. This variant has not been reported in individuals affected with cardiovascular disorders in the literature. This variant has been identified in 5/185468 chromosomes in the general population by the Genome Aggregation Database (gnomAD). The available evidence is insufficient to determine the role of this variant in disease conclusively. Therefore, this variant is classified as a Variant of Uncertain Significance.

This study involves interpretation of variants in research participants for the purpose of population health screening. Participant phenotype was not available at the time of variant classification. Additional details can be found in publication PMID: 35346344, PMCID: PMC8962531

Fulgent Genetics
Classification: Uncertain significance for Ventricular arrhythmias due to cardiac ryanodine receptor calcium release deficiency syndrome; Catecholaminergic polymorphic ventricular tachycardia 1. Last evaluated: 2021-11-16. Review status: criteria provided, single submitter. Criteria: ACMG Guidelines, 2015. Collection method: clinical testing. Allele origin: unknown.

Ambry Genetics
Classification: Uncertain significance for Cardiovascular phenotype. Last evaluated: 2019-10-08. Review status: criteria provided, single submitter. Criteria: Ambry Variant Classification Scheme 2023. Collection method: clinical testing. Allele origin: germline.

Illumina Laboratory Services, Illumina
Classification: Uncertain significance for Catecholaminergic polymorphic ventricular tachycardia 1. Last evaluated: 2017-04-28. Review status: criteria provided, single submitter. Criteria: ICSL Variant Classification Criteria 13 December 2019. Collection method: clinical testing. Allele origin: germline.

Illumina Laboratory Services, Illumina
Classification: Uncertain significance for Catecholaminergic polymorphic ventricular tachycardia 1. Last evaluated: 2017-04-28. Review status: criteria provided, single submitter. Criteria: ICSL Variant Classification Criteria 13 December 2019. Collection method: clinical testing. Allele origin: germline.

Laboratory for Molecular Medicine, Mass General Brigham Personalized Medicine
Classification: Uncertain significance. Last evaluated: 2011-09-27. Review status: criteria provided, single submitter. Criteria: LMM Criteria. Collection method: clinical testing. Allele origin: germline. Observed: 1 variant allele.
Comment: The Ile2770Thr variant (RYR2) has not been reported in the literature and has no t been previously detected by our laboratory. Isoleucine (Ile) at position 2770 is not completely conserved in evolutionarily distant species (zebrafish carries a difference amino acid), raising the possibility that this change may be toler ated. Computational predications are mixed, though the accuracy of these tools i s unknown. In summary, additional data is needed to clarify the significance of this variant.

NM_001035.3(RYR2):c.8309T>C (p.Ile2770Thr)

Gene: RYR2 (ryanodine receptor 2; plus strand). Cytogenetic location: 1q43.
Variant type: single nucleotide variant.
Coding change: c.8309T>C on transcript NM_001035.3 (MANE Select); coding-DNA position 8309, T replaced by C.
Protein change: p.Ile2770Thr; replaces isoleucine 2770 with threonine.
Molecular consequence: missense variant.
Genome position (GRCh38, 1-based): chr1:237,660,820, T>C. VCF-style: chr1-237660820-T-C. GRCh37 (hg19) VCF-style: chr1-237824120-T-C.
Other names: short protein forms I2770T.
Identifiers: ClinVar variation 43830 (VCV000043830.19), dbSNP rs397516550, ClinGen allele CA010940.
Genomic context (GRCh38, chr1:237,660,820, plus strand): 5'-TTTATTTACATTCATAATATATCTGTTGTTTCTTGTTTTTTCTTCTCTAGGAAAAAGAAA[T>C]TTATCGCTGGCCAATCAAAGAATCTTTAAAAACTATGCTGGCTTGGGGCTGGAGAATTGA-3'
Protein context (NP_001026.2, residues 2760-2780): YKLLSEKEKE[Ile2770Thr]YRWPIKESLK